The following is an entry in ClinVar:

NM_000426.4(LAMA2):c.74C>T (p.Pro25Leu)

Gene: LAMA2 (laminin subunit alpha 2; plus strand). Cytogenetic location: 6q22.33.
Variant type: single nucleotide variant.
Coding change: c.74C>T on transcript NM_000426.4 (MANE Select); coding-DNA position 74, C replaced by T.
Protein change: p.Pro25Leu; replaces proline 25 with leucine.
Molecular consequence: missense variant.
Genome position (GRCh38, 1-based): chr6:128,883,319, C>T. VCF-style: chr6-128883319-C-T. GRCh37 (hg19) VCF-style: chr6-129204464-C-T.
Other names: p.Pro25Leu; c.74C>T, p.Pro25Leu (NM_001079823.2); short protein forms P25L.
Identifiers: ClinVar variation 381265 (VCV000381265.45), dbSNP rs145310035, ClinGen allele CA3992202.
Genomic context (GRCh38, chr6:128,883,319, plus strand): 5'-CCGGGGTCCTCCTCCTTCTGCTGCTCTCCGGAGGCCTCGGGGGCGTACAGGCGCAGCGGC[C>T]GCAGCAGCAGCGGCAGTCACAGGCACATCAGCAAAGAGGTACAGTCGAGGCATGGGCTTG-3'
Protein context (NP_000417.3, residues 15-35): GGLGGVQAQR[Pro25Leu]QQQRQSQAHQ

ClinVar aggregate classification (germline): Conflicting classifications of pathogenicity. Review status: criteria provided, conflicting classifications (1 of 4 stars). 10 submissions from 10 submitters: Uncertain significance (1); Benign (2); Likely benign (6). 1 of the submissions does not count toward it. Last evaluated 2026-02-01.

Conditions:
LAMA2-related muscular dystrophy (LAMA2-RD). Also called: Laminin alpha 2-related dystrophy. Identifiers: MedGen C5679788, MONDO:0100228.
Congenital muscular dystrophy due to partial LAMA2 deficiency. Identifiers: MedGen C1842898.
LAMA2-related disorder. Also called: LAMA2-related disorders; LAMA2-related condition.
Inborn genetic diseases. Identifiers: MedGen C0950123, MeSH D030342.

Allele frequency attached by ClinVar (database versions not stated): gnomAD exomes 0.00019; gnomAD 0.00147; ESP Exome Variant Server 0.00148; TOPMed 0.00162; 1000 Genomes Project 0.00240; 1000 Genomes Project 30x 0.00265.
gnomAD v4.1: 549 of 1,598,086 alleles (0.034%); highest among the groups gnomAD compares: African/African-American, 0.57%; 3 homozygotes.

Submissions (10):

Labcorp Genetics (formerly Invitae), Labcorp
Classification: Benign for LAMA2-related muscular dystrophy. Last evaluated: 2026-02-01. Review status: criteria provided, single submitter. Criteria: Invitae Variant Classification Sherloc (09022015). Collection method: clinical testing. Allele origin: germline.

CeGaT Center for Human Genetics Tuebingen
Classification: Likely benign. Last evaluated: 2026-01-01. Review status: criteria provided, single submitter. Criteria: CeGaT Center For Human Genetics Tuebingen Variant Classification Criteria Version 2. Collection method: clinical testing. Allele origin: germline. Affected: yes. Observed: 2 variant alleles.
Comment: LAMA2: BP4

Mayo Clinic Laboratories, Mayo Clinic
Classification: Benign. Last evaluated: 2025-05-07. Review status: criteria provided, single submitter. Criteria: ACMG Guidelines, 2015. Collection method: clinical testing. Allele origin: germline. Observed: 2 variant alleles.
Comment: BS1, BS2, BP4_moderate

Women's Health and Genetics/Laboratory Corporation of America, LabCorp
Classification: Likely benign. Last evaluated: 2025-03-11. Review status: criteria provided, single submitter. Criteria: LabCorp Variant Classification Summary - May 2015. Collection method: clinical testing. Allele origin: germline.
Comment: Variant summary: LAMA2 c.74C>T (p.Pro25Leu) results in a non-conservative amino acid change in the encoded protein sequence. Three of four in-silico tools predict a benign effect of the variant on protein function. The variant allele was found at a frequency of 0.00034 in 1591136 control chromosomes, predominantly at a frequency of 0.0057 within the African or African-American subpopulation in the gnomAD database (v4.1 dataset), including 2 homozygotes. The observed variant frequency within African or African-American control individuals in the gnomAD database is approximately 1.61 fold of the estimated maximal expected allele frequency for a pathogenic variant in LAMA2 causing Merosin deficient congenital muscular dystrophy phenotype (0.0035). To our knowledge, no occurrence of c.74C>T in individuals affected with Merosin deficient congenital muscular dystrophy and no experimental evidence demonstrating its impact on protein function have been reported. ClinVar contains an entry for this variant (Variation ID: 381265). Based on the evidence outlined above, the variant was classified as likely benign.

Blueprint Genetics
Classification: Likely benign. Last evaluated: 2024-11-23. Review status: criteria provided, single submitter. Criteria: ACMG Guidelines, 2015. Collection method: clinical testing. Allele origin: germline.

Ambry Genetics
Classification: Likely benign for Inborn genetic diseases. Last evaluated: 2022-04-25. Review status: criteria provided, single submitter. Criteria: Ambry Variant Classification Scheme 2023. Collection method: clinical testing. Allele origin: germline.

GeneDx
Classification: Likely benign. Last evaluated: 2019-10-10. Review status: criteria provided, single submitter. Criteria: GeneDx Variant Classification Process June 2021. Collection method: clinical testing. Allele origin: germline. Affected: yes.

Illumina Laboratory Services, Illumina
Classification: Uncertain significance for Congenital muscular dystrophy due to partial LAMA2 deficiency. Last evaluated: 2017-04-27. Review status: criteria provided, single submitter. Criteria: ICSL Variant Classification Criteria 13 December 2019. Collection method: clinical testing. Allele origin: germline.

Center for Pediatric Genomic Medicine, Children's Mercy Hospital and Clinics
Classification: Likely benign. Last evaluated: 2017-02-27. Review status: criteria provided, single submitter. Criteria: ACMG Guidelines, 2015. Collection method: clinical testing. Allele origin: germline.

PreventionGenetics, part of Exact Sciences
Classification: Likely benign for LAMA2-related condition. Last evaluated: 2021-04-23. Review status: no assertion criteria provided. Collection method: clinical testing. Allele origin: germline. Not counted in ClinVar's aggregate classification.
Comment: This variant is classified as likely benign based on ACMG/AMP sequence variant interpretation guidelines (Richards et al. 2015 PMID: 25741868, with internal and published modifications).